The following is an entry in ClinVar:

NM_002907.4(RECQL):c.86C>G (p.Thr29Arg)

Gene: RECQL (RecQ like helicase; minus strand). Cytogenetic location: 12p12.1.
Variant type: single nucleotide variant.
Coding change: c.86C>G on transcript NM_002907.4 (MANE Select); coding-DNA position 86, C replaced by G.
Protein change: p.Thr29Arg; replaces threonine 29 with arginine.
Molecular consequence: missense variant.
Genome position (GRCh38, 1-based): chr12:21,491,647, G>C on the plus strand (C>G on the coding strand, the complement: RECQL is on the minus strand). VCF-style: chr12-21491647-G-C. GRCh37 (hg19) VCF-style: chr12-21644581-G-C.
Other names: c.86C>G, p.Thr29Arg (NM_032941.3); short protein forms T29R.
Identifiers: ClinVar variation 1313764 (VCV001313764.6), dbSNP rs145067169, ClinGen allele CA384134594.

ClinVar aggregate classification (germline): Uncertain significance. Review status: criteria provided, multiple submitters, no conflicts (2 of 4 stars). 2 submissions from 2 submitters: Uncertain significance (2). Last evaluated 2025-05-02.

gnomAD v4.1: 2 of 1,613,322 alleles (0.00012%); highest among the groups gnomAD compares: Middle Eastern, 0.017%; no homozygotes.

Submissions (2):

Ambry Genetics
Classification: Uncertain significance. Last evaluated: 2025-05-02. Review status: criteria provided, single submitter. Criteria: Ambry Variant Classification Scheme 2023. Collection method: clinical testing. Allele origin: germline.
Comment: The p.T29R variant (also known as c.86C>G), located in coding exon 2 of the RECQL gene, results from a C to G substitution at nucleotide position 86. The threonine at codon 29 is replaced by arginine, an amino acid with similar properties. This amino acid position is conserved. In addition, this alteration is predicted to be tolerated by in silico analysis. Since supporting evidence is limited at this time, the clinical significance of this alteration remains unclear.

GeneDx
Classification: Uncertain significance. Last evaluated: 2023-07-31. Review status: criteria provided, single submitter. Criteria: GeneDx Variant Classification Process June 2021. Collection method: clinical testing. Allele origin: germline. Affected: yes.
Comment: Not observed at significant frequency in large population cohorts (gnomAD); In silico analysis supports that this missense variant has a deleterious effect on protein structure/function; Has not been previously published as pathogenic or benign to our knowledge; Variants in candidate genes are classified as variants of uncertain significance in accordance with ACMG guidelines (Richards et al., 2015); This variant is associated with the following publications: (PMID: 27248010)